The following is an entry in ClinVar:

NM_198578.4(LRRK2):c.699G>A (p.Ala233=)

Gene: LRRK2 (leucine rich repeat kinase 2; plus strand). Cytogenetic location: 12q12.
Variant type: single nucleotide variant.
Coding change: c.699G>A on transcript NM_198578.4 (MANE Select); coding-DNA position 699, G replaced by A.
Protein change: p.Ala233=; no amino-acid change (alanine 233 retained).
Molecular consequence: synonymous variant.
Genome position (GRCh38, 1-based): chr12:40,240,610, G>A. VCF-style: chr12-40240610-G-A. GRCh37 (hg19) VCF-style: chr12-40634412-G-A.
Identifiers: ClinVar variation 702314 (VCV000702314.27), dbSNP rs577327683, ClinGen allele CA6513156.

ClinVar aggregate classification (germline): Likely benign. Review status: criteria provided, multiple submitters, no conflicts (2 of 4 stars). 3 submissions from 3 submitters: Likely benign (3). Last evaluated 2024-10-01.

Conditions:
Autosomal dominant Parkinson disease 8. Also called: LRRK2-Related Parkinson Disease; Parkinson disease 8; Parkinson disease 8, susceptibility to. Identifiers: Orphanet 411602, MedGen C1846862, MONDO:0011764, OMIM 607060.
Inborn genetic diseases. Identifiers: MedGen C0950123, MeSH D030342.

Allele frequency attached by ClinVar (database versions not stated): ExAC 0.00003; gnomAD exomes 0.00003 and 0.00004; gnomAD 0.00006; TOPMed 0.00010; 1000 Genomes Project 0.00020; 1000 Genomes Project 30x 0.00031.
gnomAD v4.1: 52 of 1,613,048 alleles (0.0032%); highest among the groups gnomAD compares: Admixed American, 0.015%; no homozygotes.

Submissions (3):

CeGaT Center for Human Genetics Tuebingen
Classification: Likely benign. Last evaluated: 2024-10-01. Review status: criteria provided, single submitter. Criteria: CeGaT Center For Human Genetics Tuebingen Variant Classification Criteria Version 2. Collection method: clinical testing. Allele origin: germline. Affected: yes. Observed: 1 variant allele.
Comment: LRRK2: BP4, BP7

Labcorp Genetics (formerly Invitae), Labcorp
Classification: Likely benign for Autosomal dominant Parkinson disease 8. Last evaluated: 2024-02-23. Review status: criteria provided, single submitter. Criteria: Invitae Variant Classification Sherloc (09022015). Collection method: clinical testing. Allele origin: germline.

Ambry Genetics
Classification: Likely benign for Inborn genetic diseases. Last evaluated: 2022-03-16. Review status: criteria provided, single submitter. Criteria: Ambry Variant Classification Scheme 2023. Collection method: clinical testing. Allele origin: germline.